The following is an entry in ClinVar:

ClinVar aggregate classification (germline): Conflicting classifications of pathogenicity. Review status: criteria provided, conflicting classifications (1 of 4 stars). 4 submissions from 4 submitters: Uncertain significance (1); Likely benign (2). 1 of the submissions does not count toward it. Last evaluated 2025-01-30.

Conditions:
Primary ciliary dyskinesia. Also called: Ciliary dyskinesia. Identifiers: Orphanet 244, MedGen C0008780, MONDO:0016575, HP:0012265.

Allele frequency attached by ClinVar (database versions not stated): gnomAD 0.00003 and 0.00005; gnomAD exomes 0.00010; 1000 Genomes Project 30x 0.00047; TOPMed 0.00004; ExAC 0.00010; 1000 Genomes Project 0.00060.
gnomAD v4.1: 43 of 1,614,176 alleles (0.0027%); highest among the groups gnomAD compares: East Asian, 0.082%; no homozygotes.

Submissions (5):

Labcorp Genetics (formerly Invitae), Labcorp
Classification: Likely benign for Primary ciliary dyskinesia. Last evaluated: 2025-01-30. Review status: criteria provided, single submitter. Criteria: Invitae Variant Classification Sherloc (09022015). Collection method: clinical testing. Allele origin: germline.

GeneDx
Classification: Uncertain significance. Last evaluated: 2024-12-04. Review status: criteria provided, single submitter. Criteria: GeneDx Variant Classification Process June 2021. Collection method: clinical testing. Allele origin: germline.
Comment: In silico analysis supports that this missense variant does not alter protein structure/function; Has not been previously published as pathogenic or benign to our knowledge

Ambry Genetics
Classification: Likely benign for Primary ciliary dyskinesia. Last evaluated: 2022-08-02. Review status: criteria provided, single submitter. Criteria: Ambry Variant Classification Scheme 2023. Collection method: clinical testing. Allele origin: germline.

Natera, Inc.
Classification: Uncertain significance for Primary ciliary dyskinesia. Last evaluated: 2020-01-17. Review status: no assertion criteria provided. Collection method: clinical testing. Allele origin: germline. Not counted in ClinVar's aggregate classification.

Dr. Peter K. Rogan Lab, Western University
No classification provided (evidence only). Condition: Hepatocellular carcinoma. Review status: no classification provided. Collection method: in vitro. Allele origin: not applicable. Functional consequence: retained intron. Not counted in ClinVar's aggregate classification.

NM_001369.3(DNAH5):c.10041G>T (p.Met3347Ile)

Gene: DNAH5 (dynein axonemal heavy chain 5; minus strand). Cytogenetic location: 5p15.2.
Variant type: single nucleotide variant.
Coding change: c.10041G>T on transcript NM_001369.3 (MANE Select); coding-DNA position 10041, G replaced by T.
Protein change: p.Met3347Ile; replaces methionine 3347 with isoleucine.
Molecular consequence: missense variant.
Genome position (GRCh38, 1-based): chr5:13,766,036, C>A on the plus strand (G>T on the coding strand, the complement: DNAH5 is on the minus strand). VCF-style: chr5-13766036-C-A. GRCh37 (hg19) VCF-style: chr5-13766145-C-A.
Other names: short protein forms M3347I.
Identifiers: ClinVar variation 972057 (VCV000972057.17), dbSNP rs536239913, ClinGen allele CA3202345.